The following is an entry in ClinVar:

ClinVar aggregate classification (germline): Uncertain significance. Review status: criteria provided, multiple submitters, no conflicts (2 of 4 stars). 2 submissions from 2 submitters: Uncertain significance (2). Last evaluated 2022-08-16.

Allele frequency attached by ClinVar (database versions not stated): TOPMed 0.00001; gnomAD exomes 0.00005 and 0.00013; ExAC 0.00011.

Submissions (2):

Labcorp Genetics (formerly Invitae), Labcorp
Classification: Uncertain significance. Last evaluated: 2022-08-16. Review status: criteria provided, single submitter. Criteria: Invitae Variant Classification Sherloc (09022015). Collection method: clinical testing. Allele origin: germline.
Comment: This sequence change replaces serine, which is neutral and polar, with alanine, which is neutral and non-polar, at codon 41 of the DNASE2 protein (p.Ser41Ala). This variant is present in population databases (rs747357976, gnomAD 0.1%). This variant has not been reported in the literature in individuals affected with DNASE2-related conditions. ClinVar contains an entry for this variant (Variation ID: 1354215). Algorithms developed to predict the effect of missense changes on protein structure and function (SIFT, PolyPhen-2, Align-GVGD) all suggest that this variant is likely to be tolerated. In summary, the available evidence is currently insufficient to determine the role of this variant in disease. Therefore, it has been classified as a Variant of Uncertain Significance.

Ambry Genetics
Classification: Uncertain significance. Last evaluated: 2021-10-12. Review status: criteria provided, single submitter. Criteria: Ambry Variant Classification Scheme 2023. Collection method: clinical testing. Allele origin: germline.

NM_001375.3(DNASE2):c.121T>G (p.Ser41Ala)

Genes: DNASE2 (deoxyribonuclease 2, lysosomal; minus strand), LOC117125588 (CRISPRi-FlowFISH-validated KLF1 regulatory element 1; plus strand). Cytogenetic location: 19p13.13.
Variant type: single nucleotide variant.
Coding change: c.121T>G on transcript NM_001375.3 (MANE Select); coding-DNA position 121, T replaced by G.
Protein change: p.Ser41Ala; replaces serine 41 with alanine.
Molecular consequence: missense variant.
Genome position (GRCh38, 1-based): chr19:12,881,118, A>C on the plus strand (T>G on the coding strand, the complement: DNASE2 is on the minus strand). VCF-style: chr19-12881118-A-C. GRCh37 (hg19) VCF-style: chr19-12991932-A-C.
Other names: c.121T>G (NM_001375.2); short protein forms S41A.
Identifiers: ClinVar variation 1354215 (VCV001354215.6), dbSNP rs747357976, ClinGen allele CA9233887.